The following is an entry in ClinVar:

ClinVar aggregate classification (germline): Pathogenic/Likely pathogenic. Review status: criteria provided, multiple submitters, no conflicts (2 of 4 stars). 2 submissions from 2 submitters: Pathogenic (1); Likely pathogenic (1). Last evaluated 2026-03-24.

Conditions:
Pendred syndrome (PDS). Also called: Pendred Syndrome (PDS); DEAFNESS WITH GOITER; THYROID DYSHORMONOGENESIS 2B; THYROID HORMONOGENESIS, GENETIC DEFECT IN, 2B; Pendred's syndrome; GOITER-DEAFNESS SYNDROME. Identifiers: Orphanet 705, MedGen C0271829, MONDO:0010134, OMIM 274600.

gnomAD v4.1: 1 of 1,614,012 alleles (0.000062%); highest among the groups gnomAD compares: African/African-American, 0.0013%; no homozygotes.

Submissions (2):

Myriad Genetics, Inc.
Classification: Likely pathogenic for Pendred syndrome. Last evaluated: 2026-03-24. Review status: criteria provided, single submitter. Criteria: Myriad Autosomal Dominant, Autosomal Recessive and X-Linked Classification Criteria (2023). Collection method: clinical testing. Allele origin: unknown.
Comment: NM_000441.1(SLC26A4):c.665G>A(G222D) is a missense variant classified as likely pathogenic in the context of Pendred syndrome. G222D has been observed in a case with relevant disease (PMID: 26226137). Relevant functional assessments of this variant are not available in the literature. Internal structural analysis of the variant is supportive of pathogenicity. G222D has not been observed in referenced population frequency databases. In summary, NM_000441.1(SLC26A4):c.665G>A(G222D) is a missense variant that has internal structural support for pathogenicity and has been observed more frequently in cases with the relevant disease than in healthy populations. Please note: this variant was assessed in the context of healthy population screening.

Labcorp Genetics (formerly Invitae), Labcorp
Classification: Pathogenic. Last evaluated: 2022-10-27. Review status: criteria provided, single submitter. Criteria: Invitae Variant Classification Sherloc (09022015). Collection method: clinical testing. Allele origin: germline.
Comment: For these reasons, this variant has been classified as Pathogenic. This variant disrupts the p.Gly222 amino acid residue in SLC26A4. Other variant(s) that disrupt this residue have been observed in individuals with SLC26A4-related conditions (PMID: 23638949, 23918157), which suggests that this may be a clinically significant amino acid residue. Advanced modeling of protein sequence and biophysical properties (such as structural, functional, and spatial information, amino acid conservation, physicochemical variation, residue mobility, and thermodynamic stability) performed at Invitae indicates that this missense variant is expected to disrupt SLC26A4 protein function. This missense change has been observed in individual(s) with autosomal recessive deafness (PMID: 26226137). In at least one individual the data is consistent with being in trans (on the opposite chromosome) from a pathogenic variant. This variant is not present in population databases (gnomAD no frequency). This sequence change replaces glycine, which is neutral and non-polar, with aspartic acid, which is acidic and polar, at codon 222 of the SLC26A4 protein (p.Gly222Asp).

Literature cited by the submitters: PubMed 26226137 (cited by Myriad Genetics, Inc. and Labcorp Genetics (formerly Invitae), Labcorp); PubMed 23638949 (cited by Labcorp Genetics (formerly Invitae), Labcorp); PubMed 23918157 (cited by Labcorp Genetics (formerly Invitae), Labcorp).

NM_000441.2(SLC26A4):c.665G>A (p.Gly222Asp)

Gene: SLC26A4 (solute carrier family 26 member 4; plus strand). Cytogenetic location: 7q22.3.
Variant type: single nucleotide variant.
Coding change: c.665G>A on transcript NM_000441.2 (MANE Select); coding-DNA position 665, G replaced by A.
Protein change: p.Gly222Asp; replaces glycine 222 with aspartic acid.
Molecular consequence: missense variant.
Genome position (GRCh38, 1-based): chr7:107,675,009, G>A. VCF-style: chr7-107675009-G-A. GRCh37 (hg19) VCF-style: chr7-107315454-G-A.
Other names: short protein forms G222D.
Identifiers: ClinVar variation 2735065 (VCV002735065.4), dbSNP rs1434359940, ClinGen allele CA368831360.